The following is an entry in ClinVar:

ClinVar aggregate classification (germline): Pathogenic (1 of 4 stars; one submission).

Conditions:
Tuberous sclerosis 2 (TSC2). Identifiers: Orphanet 805, MedGen C1860707, MONDO:0013199, OMIM 613254.

Submission:

Labcorp Genetics (formerly Invitae), Labcorp
Classification: Pathogenic for Tuberous sclerosis 2. Last evaluated: 2022-07-19. Review status: criteria provided, single submitter. Criteria: Invitae Variant Classification Sherloc (09022015). Collection method: clinical testing. Allele origin: germline.
Comment: For these reasons, this variant has been classified as Pathogenic. This variant has not been reported in the literature in individuals affected with TSC2-related conditions. This variant is a gross deletion of the genomic region encompassing exon(s) 1-6 of the TSC2 gene, which includes the initiator codon. This deletion extends beyond the assayed region for this gene and therefore may encompass additional genes. It is expected to result in an absent or disrupted protein product. Loss-of-function variants in TSC2 are known to be pathogenic (PMID: 10205261, 17304050).

Literature cited by the submitters: PubMed 10205261; PubMed 17304050.

NC_000016.9:g.(?_2089925)_(2105540_?)del

Genes: NTHL1 (nth like DNA glycosylase 1; minus strand), TSC2 (TSC complex subunit 2; plus strand). Cytogenetic location: 16p13.3.
Variant type: Deletion.
Identifiers: ClinVar variation 2423285 (VCV002423285.4).